The following is an entry in ClinVar:

ClinVar aggregate classification (germline): Uncertain significance (1 of 4 stars; one submission).

Submission:

GeneDx
Classification: Uncertain significance. Last evaluated: 2025-04-28. Review status: criteria provided, single submitter. Criteria: GeneDx Variant Classification Process June 2021. Collection method: clinical testing. Allele origin: germline. Affected: yes.
Comment: Not observed at significant frequency in large population cohorts (gnomAD); In silico analysis supports that this missense variant has a deleterious effect on protein structure/function; Has not been previously published as pathogenic or benign to our knowledge

NM_001271.4(CHD2):c.2927C>T (p.Ala976Val)

Genes: CHD2 (chromodomain helicase DNA binding protein 2; plus strand), LOC126862230 (P300/CBP strongly-dependent group 1 enhancer GRCh37_chr15:93523977-93525176; plus strand). Cytogenetic location: 15q26.1.
Variant type: single nucleotide variant.
Coding change: c.2927C>T on transcript NM_001271.4 (MANE Select); coding-DNA position 2927, C replaced by T.
Protein change: p.Ala976Val; replaces alanine 976 with valine.
Molecular consequence: missense variant.
Genome position (GRCh38, 1-based): chr15:92,980,865, C>T. VCF-style: chr15-92980865-C-T. GRCh37 (hg19) VCF-style: chr15-93524095-C-T.
Other names: short protein forms A976V.
Identifiers: ClinVar variation 4527692 (VCV004527692.1).